The following is an entry in ClinVar:

ClinVar aggregate classification (germline): Uncertain significance (1 of 4 stars; one submission).

gnomAD v4.1: 34 of 1,593,410 alleles (0.0021%); highest among the groups gnomAD compares: Admixed American, 0.055%; no homozygotes.

Submission:

Labcorp Genetics (formerly Invitae), Labcorp
Classification: Uncertain significance. Last evaluated: 2025-12-20. Review status: criteria provided, single submitter. Criteria: Invitae Variant Classification Sherloc (09022015). Collection method: clinical testing. Allele origin: germline.
Comment: This sequence change replaces leucine, which is neutral and non-polar, with methionine, which is neutral and non-polar, at codon 1656 of the LAMA5 protein (p.Leu1656Met). This variant is present in population databases (rs772840799, gnomAD 0.07%). This variant has not been reported in the literature in individuals affected with LAMA5-related conditions. An algorithm developed to predict the effect of missense changes on protein structure and function (PolyPhen-2) suggests that this variant is likely to be disruptive. Algorithms developed to predict the effect of sequence changes on RNA splicing suggest that this variant may create or strengthen a splice site. In summary, the available evidence is currently insufficient to determine the role of this variant in disease. Therefore, it has been classified as a Variant of Uncertain Significance.

NM_005560.6(LAMA5):c.4966C>A (p.Leu1656Met)

Gene: LAMA5 (laminin subunit alpha 5; minus strand). Cytogenetic location: 20q13.33.
Variant type: single nucleotide variant.
Coding change: c.4966C>A on transcript NM_005560.6 (MANE Select); coding-DNA position 4966, C replaced by A.
Protein change: p.Leu1656Met; replaces leucine 1656 with methionine.
Molecular consequence: missense variant.
Genome position (GRCh38, 1-based): chr20:62,327,379, G>T on the plus strand (C>A on the coding strand, the complement: LAMA5 is on the minus strand). VCF-style: chr20-62327379-G-T. GRCh37 (hg19) VCF-style: chr20-60902435-G-T.
Other names: short protein forms L1656M.
Identifiers: ClinVar variation 4801036 (VCV004801036.1).